The following is an entry in ClinVar:

NM_001370466.1(NOD2):c.1208T>C (p.Val403Ala)

Gene: NOD2 (nucleotide binding oligomerization domain containing 2; plus strand). Cytogenetic location: 16q12.1.
Variant type: single nucleotide variant.
Coding change: c.1208T>C on transcript NM_001370466.1 (MANE Select); coding-DNA position 1208, T replaced by C.
Protein change: p.Val403Ala; replaces valine 403 with alanine.
Molecular consequence: missense variant. On other transcripts: non-coding transcript variant (1).
Genome position (GRCh38, 1-based): chr16:50,711,200, T>C. VCF-style: chr16-50711200-T-C. GRCh37 (hg19) VCF-style: chr16-50745111-T-C.
Other names: c.1208T>C, p.Val403Ala (NM_001293557.2); c.1289T>C, p.Val430Ala (NM_022162.3); short protein forms V403A, V430A.
Identifiers: ClinVar variation 3754274 (VCV003754274.2).

ClinVar aggregate classification (germline): Uncertain significance (1 of 4 stars; one submission).

Conditions:
Regional enteritis. Also called: Enteritis, Granulomatous. Identifiers: MedGen C0678202, MeSH D003424.
Blau syndrome (BLAUS). Also called: ARTHROCUTANEOUVEAL GRANULOMATOSIS; GRANULOMATOSIS, FAMILIAL JUVENILE SYSTEMIC; GRANULOMATOSIS, FAMILIAL, BLAU TYPE; GRANULOMATOUS INFLAMMATORY ARTHRITIS, DERMATITIS, AND UVEITIS, FAMILIAL; JABS SYNDROME. Identifiers: Orphanet 90340, MedGen C5201146, MONDO:0008523, OMIM 186580.

Submission:

Labcorp Genetics (formerly Invitae), Labcorp
Classification: Uncertain significance for Regional enteritis; Blau syndrome. Last evaluated: 2025-06-23. Review status: criteria provided, single submitter. Criteria: Invitae Variant Classification Sherloc (09022015). Collection method: clinical testing. Allele origin: germline.
Comment: This sequence change replaces valine, which is neutral and non-polar, with alanine, which is neutral and non-polar, at codon 430 of the NOD2 protein (p.Val430Ala). This variant is not present in population databases (gnomAD no frequency). This variant has not been reported in the literature in individuals affected with NOD2-related conditions. ClinVar contains an entry for this variant (Variation ID: 3754274). Invitae Evidence Modeling of protein sequence and biophysical properties (such as structural, functional, and spatial information, amino acid conservation, physicochemical variation, residue mobility, and thermodynamic stability) has been performed for this missense variant. However, the output from this modeling did not meet the statistical confidence thresholds required to predict the impact of this variant on NOD2 protein function. In summary, the available evidence is currently insufficient to determine the role of this variant in disease. Therefore, it has been classified as a Variant of Uncertain Significance.